The following is an entry in ClinVar:

ClinVar aggregate classification (germline): Uncertain significance (1 of 4 stars; one submission).

Conditions:
Multiple endocrine neoplasia, type 1 (MEN1). Also called: MEN I; WERMER SYNDROME; Endocrine adenomatosis multiple; MEN 1; MEA I. Identifiers: Orphanet 652, MedGen C0025267, MeSH D018761, MONDO:0007540, OMIM 131100.

Submission:

Labcorp Genetics (formerly Invitae), Labcorp
Classification: Uncertain significance for Multiple endocrine neoplasia, type 1. Last evaluated: 2024-01-29. Review status: criteria provided, single submitter. Criteria: Invitae Variant Classification Sherloc (09022015). Collection method: clinical testing. Allele origin: germline.
Comment: This sequence change replaces serine, which is neutral and polar, with proline, which is neutral and non-polar, at codon 487 of the MEN1 protein (p.Ser487Pro). This variant is not present in population databases (gnomAD no frequency). This variant has not been reported in the literature in individuals affected with MEN1-related conditions. ClinVar contains an entry for this variant (Variation ID: 457301). Advanced modeling of protein sequence and biophysical properties (such as structural, functional, and spatial information, amino acid conservation, physicochemical variation, residue mobility, and thermodynamic stability) performed at Invitae indicates that this missense variant is expected to disrupt MEN1 protein function with a positive predictive value of 95%. In summary, the available evidence is currently insufficient to determine the role of this variant in disease. Therefore, it has been classified as a Variant of Uncertain Significance.

NM_001370259.2(MEN1):c.1459T>C (p.Ser487Pro)

Gene: MEN1 (menin 1; minus strand). Cytogenetic location: 11q13.1.
Variant type: single nucleotide variant.
Coding change: c.1459T>C on transcript NM_001370259.2 (MANE Select); coding-DNA position 1459, T replaced by C.
Protein change: p.Ser487Pro; replaces serine 487 with proline.
Molecular consequence: missense variant.
Genome position (GRCh38, 1-based): chr11:64,804,708, A>G on the plus strand (T>C on the coding strand, the complement: MEN1 is on the minus strand). VCF-style: chr11-64804708-A-G. GRCh37 (hg19) VCF-style: chr11-64572180-A-G.
Other names: c.1474T>C, p.Ser492Pro (NM_000244.4, NM_130800.3, NM_130801.3 and 3 more transcripts); c.1585T>C, p.Ser529Pro (NM_001370251.2); c.1459T>C, p.Ser487Pro (NM_001370260.2, NM_001370261.2, NM_130799.3); c.1354T>C, p.Ser452Pro (NM_001370262.2, NM_001370263.2); short protein forms S487P, S492P, S452P, S529P.
Identifiers: ClinVar variation 457301 (VCV000457301.8), dbSNP rs1057427859, ClinGen allele CA381179189.
Genomic context (GRCh38, chr11:64,804,708, plus strand): 5'-CGGTGCCCAGGCCCTTGTCCAGTGCTGGCTTCTTGGGCGGCGGGGGCTCCTCTGGCTTGG[A>G]CTCCCGCCGTGGGCCCCGCCGCCGGCCTTCCCGGGCTTCCTCGCCCCACGGCTCCTCGGC-3'
Protein context (NP_001357188.2, residues 477-497): EGRRRGPRRE[Ser487Pro]KPEEPPPPKK